The following is an entry in ClinVar:

ClinVar aggregate classification (germline): Pathogenic (1 of 4 stars; one submission).

Submission:

Labcorp Genetics (formerly Invitae), Labcorp
Classification: Pathogenic. Last evaluated: 2022-08-05. Review status: criteria provided, single submitter. Criteria: Invitae Variant Classification Sherloc (09022015). Collection method: clinical testing. Allele origin: germline.
Comment: This sequence change creates a premature translational stop signal (p.Arg453Glnfs*4) in the TUB gene. It is expected to result in an absent or disrupted protein product. Loss-of-function variants in TUB are known to be pathogenic (PMID: 24375934). This variant is not present in population databases (gnomAD no frequency). This variant has not been reported in the literature in individuals affected with TUB-related conditions. For these reasons, this variant has been classified as Pathogenic.

Literature cited by the submitters: PubMed 24375934.

NM_177972.3(TUB):c.1192_1211del (p.Arg398fs)

Genes: RIC3 (RIC3 acetylcholine receptor chaperone; minus strand), TUB (TUB bipartite transcription factor; plus strand). Cytogenetic location: 11p15.4.
Variant type: Deletion.
Coding change: c.1192_1211del on transcript NM_177972.3 (MANE Select); coding-DNA positions 1192 to 1211, 20 bases deleted (AGAGTCTCTATCCGCCCCCG).
Protein change: p.Arg398fs; shifts the reading frame from arginine 398.
Molecular consequence: frameshift variant.
Genome position (GRCh38, 1-based): chr11:8,100,578-8,100,597, AGAGTCTCTATCCGCCCCCG deleted; deleting any 20 consecutive bases within chr11:8,100,577-8,100,597 gives the same sequence; the c. name uses the placement nearest the transcript's 3' end. VCF-style (leftmost placement, unchanged base first): chr11-8100576-AGAGAGTCTCTATCCGCCCCC-A. GRCh37 (hg19) VCF-style: chr11-8122123-AGAGAGTCTCTATCCGCCCCC-A.
Other names: c.1357_1376del, p.Arg453fs (NM_003320.5); short protein forms R453fs, R398fs.
Identifiers: ClinVar variation 2021852 (VCV002021852.4), dbSNP rs2539288898, ClinGen allele CA2580084029.
Genomic context (GRCh38, chr11:8,100,576, plus strand): 5'-TAGGCTTCAAGGGGCCTCGGAAGATGAGCGTGATTGTCCCAGGCATGAACATGGTTCATG[AGAGAGTCTCTATCCGCCCCC>A]GCAACGTGAGTGTCTACCCCTTCCTCCCCTCTTTCCCCATCATCCTAGTCTCTGCATGAG-3'